The following is an entry in ClinVar:

NM_002959.7(SORT1):c.2289C>T (p.Ile763=)

Gene: SORT1 (sortilin 1; minus strand). Cytogenetic location: 1p13.3.
Variant type: single nucleotide variant.
Coding change: c.2289C>T on transcript NM_002959.7 (MANE Select); coding-DNA position 2289, C replaced by T.
Protein change: p.Ile763=; no amino-acid change (isoleucine 763 retained).
Molecular consequence: synonymous variant.
Genome position (GRCh38, 1-based): chr1:109,314,740, G>A on the plus strand (C>T on the coding strand, the complement: SORT1 is on the minus strand). VCF-style: chr1-109314740-G-A. GRCh37 (hg19) VCF-style: chr1-109857362-G-A.
Other names: c.1878C>T, p.Ile626= (NM_001205228.2).
Identifiers: ClinVar variation 3051097 (VCV003051097.2), dbSNP rs369998819, ClinGen allele CA989655.

ClinVar aggregate classification (germline): Likely benign (0 of 4 stars; one submission).

Conditions:
SORT1-related disorder. Also called: SORT1-related condition.

Allele frequency attached by ClinVar (database versions not stated): ExAC 0.00001; gnomAD 0.00001; TOPMed 0.00002; ESP Exome Variant Server 0.00008.
gnomAD v4.1: 22 of 1,610,688 alleles (0.0014%); highest among the groups gnomAD compares: Middle Eastern, 0.049%; no homozygotes.

Submission:

PreventionGenetics, part of Exact Sciences
Classification: Likely benign for SORT1-related condition. Last evaluated: 2020-02-26. Review status: no assertion criteria provided. Collection method: clinical testing. Allele origin: germline.
Comment: This variant is classified as likely benign based on ACMG/AMP sequence variant interpretation guidelines (Richards et al. 2015 PMID: 25741868, with internal and published modifications).